The following is an entry in ClinVar:

ClinVar aggregate classification (germline): Uncertain significance. Review status: criteria provided, multiple submitters, no conflicts (2 of 4 stars). 2 submissions from 2 submitters: Uncertain significance (2). Last evaluated 2023-10-17.

Conditions:
Inborn genetic diseases. Identifiers: MedGen C0950123, MeSH D030342.

gnomAD v4.1: 7 of 1,614,066 alleles (0.00043%); highest among the groups gnomAD compares: African/African-American, 0.0013%; no homozygotes.

Submissions (2):

Ambry Genetics
Classification: Uncertain significance for Inborn genetic diseases. Last evaluated: 2023-10-17. Review status: criteria provided, single submitter. Criteria: Ambry Variant Classification Scheme 2023. Collection method: clinical testing. Allele origin: germline.

Labcorp Genetics (formerly Invitae), Labcorp
Classification: Uncertain significance. Last evaluated: 2022-06-29. Review status: criteria provided, single submitter. Criteria: Invitae Variant Classification Sherloc (09022015). Collection method: clinical testing. Allele origin: germline.
Comment: In summary, the available evidence is currently insufficient to determine the role of this variant in disease. Therefore, it has been classified as a Variant of Uncertain Significance. Algorithms developed to predict the effect of missense changes on protein structure and function (SIFT, PolyPhen-2, Align-GVGD) all suggest that this variant is likely to be disruptive. This variant has not been reported in the literature in individuals affected with CSGALNACT1-related conditions. This variant is present in population databases (no rsID available, gnomAD 0.004%). This sequence change replaces glycine, which is neutral and non-polar, with alanine, which is neutral and non-polar, at codon 445 of the CSGALNACT1 protein (p.Gly445Ala).

NM_001354483.2(CSGALNACT1):c.1334G>C (p.Gly445Ala)

Gene: CSGALNACT1 (chondroitin sulfate N-acetylgalactosaminyltransferase 1; minus strand). Cytogenetic location: 8p21.3.
Variant type: single nucleotide variant.
Coding change: c.1334G>C on transcript NM_001354483.2 (MANE Select); coding-DNA position 1334, G replaced by C.
Protein change: p.Gly445Ala; replaces glycine 445 with alanine.
Molecular consequence: missense variant. On other transcripts: non-coding transcript variant (7).
Genome position (GRCh38, 1-based): chr8:19,406,045, C>G on the plus strand (G>C on the coding strand, the complement: CSGALNACT1 is on the minus strand). VCF-style: chr8-19406045-C-G. GRCh37 (hg19) VCF-style: chr8-19263556-C-G.
Other names: c.1334G>C, p.Gly445Ala (NM_001130518.2, NM_001354475.2, NM_001354476.2 and 18 more transcripts); c.1334G>C (NM_001130518.1); short protein forms G445A.
Identifiers: ClinVar variation 2077037 (VCV002077037.5), dbSNP rs948601223, ClinGen allele CA173292456.